The following is an entry in ClinVar:

ClinVar aggregate classification (germline): Uncertain significance. Review status: criteria provided, multiple submitters, no conflicts (2 of 4 stars). 3 submissions from 3 submitters: Uncertain significance (3). Last evaluated 2025-10-14.

Conditions:
Familial cold autoinflammatory syndrome 3 (FCAS3). Also called: ANTIBODY DEFICIENCY AND IMMUNE DYSREGULATION, PLCG2-ASSOCIATED; FAMILIAL ATYPICAL COLD URTICARIA. Identifiers: Orphanet 300359, MedGen C3280914, MONDO:0013766, OMIM 614468.
Inborn genetic diseases. Identifiers: MedGen C0950123, MeSH D030342.

Allele frequency attached by ClinVar (database versions not stated): gnomAD exomes 0.00001; gnomAD 0.00002; TOPMed 0.00003; ESP Exome Variant Server 0.00008.
gnomAD v4.1: 19 of 1,613,910 alleles (0.0012%); highest among the groups gnomAD compares: Middle Eastern, 0.016%; no homozygotes.

Submissions (3):

Labcorp Genetics (formerly Invitae), Labcorp
Classification: Uncertain significance for Familial cold autoinflammatory syndrome 3. Last evaluated: 2025-10-14. Review status: criteria provided, single submitter. Criteria: Invitae Variant Classification Sherloc (09022015). Collection method: clinical testing. Allele origin: germline.
Comment: This sequence change replaces serine, which is neutral and polar, with glycine, which is neutral and non-polar, at codon 107 of the PLCG2 protein (p.Ser107Gly). This variant is not present in population databases (gnomAD no frequency). This variant has not been reported in the literature in individuals affected with PLCG2-related conditions. ClinVar contains an entry for this variant (Variation ID: 1693664). An algorithm developed to predict the effect of missense changes on protein structure and function (PolyPhen-2) suggests that this variant is likely to be tolerated. In summary, the available evidence is currently insufficient to determine the role of this variant in disease. Therefore, it has been classified as a Variant of Uncertain Significance.

Ambry Genetics
Classification: Uncertain significance for Inborn genetic diseases. Last evaluated: 2024-08-14. Review status: criteria provided, single submitter. Criteria: Ambry Variant Classification Scheme 2023. Collection method: clinical testing. Allele origin: germline.

Mayo Clinic Laboratories, Mayo Clinic
Classification: Uncertain significance. Last evaluated: 2021-08-24. Review status: criteria provided, single submitter. Criteria: ACMG Guidelines, 2015. Collection method: clinical testing. Allele origin: germline.

NM_002661.5(PLCG2):c.319A>G (p.Ser107Gly)

Gene: PLCG2 (phospholipase C gamma 2; plus strand). Cytogenetic location: 16q23.3.
Variant type: single nucleotide variant.
Coding change: c.319A>G on transcript NM_002661.5 (MANE Select); coding-DNA position 319, A replaced by G.
Protein change: p.Ser107Gly; replaces serine 107 with glycine.
Molecular consequence: missense variant.
Genome position (GRCh38, 1-based): chr16:81,854,569, A>G. VCF-style: chr16-81854569-A-G. GRCh37 (hg19) VCF-style: chr16-81888174-A-G.
Other names: p.Ser107Gly; c.319A>G (NM_002661.3); short protein forms S107G.
Identifiers: ClinVar variation 1693664 (VCV001693664.6), dbSNP rs377058251, ClinGen allele CA285163758.